The following is an entry in ClinVar:

NM_001195263.2(PDZD7):c.262C>T (p.Arg88Trp)

Gene: PDZD7 (PDZ domain containing 7; minus strand). Cytogenetic location: 10q24.31.
Variant type: single nucleotide variant.
Coding change: c.262C>T on transcript NM_001195263.2 (MANE Select); coding-DNA position 262, C replaced by T.
Protein change: p.Arg88Trp; replaces arginine 88 with tryptophan.
Molecular consequence: missense variant.
Genome position (GRCh38, 1-based): chr10:101,024,033, G>A on the plus strand (C>T on the coding strand, the complement: PDZD7 is on the minus strand). VCF-style: chr10-101024033-G-A. GRCh37 (hg19) VCF-style: chr10-102783790-G-A.
Other names: c.262C>T, p.Arg88Trp (NM_001351044.2, NM_024895.5); c.262C>T (NM_001195263.1); short protein forms R88W.
Identifiers: ClinVar variation 1400183 (VCV001400183.6), dbSNP rs774063330, ClinGen allele CA5654463.

ClinVar aggregate classification (germline): Uncertain significance. Review status: criteria provided, multiple submitters, no conflicts (2 of 4 stars). 3 submissions from 3 submitters: Uncertain significance (3). Last evaluated 2025-02-04.

Conditions:
Inborn genetic diseases. Identifiers: MedGen C0950123, MeSH D030342.

Allele frequency attached by ClinVar (database versions not stated): ExAC 0.00002; gnomAD 0.00002; gnomAD exomes 0.00002; TOPMed 0.00004.

Submissions (3):

Ambry Genetics
Classification: Uncertain significance for Inborn genetic diseases. Last evaluated: 2025-02-04. Review status: criteria provided, single submitter. Criteria: Ambry Variant Classification Scheme 2023. Collection method: clinical testing. Allele origin: germline.

Blueprint Genetics
Classification: Uncertain significance. Last evaluated: 2023-11-15. Review status: criteria provided, single submitter. Criteria: ACMG Guidelines, 2015. Collection method: clinical testing. Allele origin: germline.

Labcorp Genetics (formerly Invitae), Labcorp
Classification: Uncertain significance. Last evaluated: 2023-08-17. Review status: criteria provided, single submitter. Criteria: Invitae Variant Classification Sherloc (09022015). Collection method: clinical testing. Allele origin: germline.
Comment: In summary, the available evidence is currently insufficient to determine the role of this variant in disease. Therefore, it has been classified as a Variant of Uncertain Significance. This sequence change replaces arginine, which is basic and polar, with tryptophan, which is neutral and slightly polar, at codon 88 of the PDZD7 protein (p.Arg88Trp). This variant is present in population databases (rs774063330, gnomAD 0.008%). This variant has not been reported in the literature in individuals affected with PDZD7-related conditions. ClinVar contains an entry for this variant (Variation ID: 1400183). Advanced modeling of protein sequence and biophysical properties (such as structural, functional, and spatial information, amino acid conservation, physicochemical variation, residue mobility, and thermodynamic stability) performed at Invitae indicates that this missense variant is not expected to disrupt PDZD7 protein function.